The following is an entry in ClinVar:

NM_004629.2(FANCG):c.552dup (p.Ser185fs)

Gene: FANCG (FA complementation group G; minus strand). Cytogenetic location: 9p13.3.
Variant type: Duplication.
Coding change: c.552dup on transcript NM_004629.2 (MANE Select); coding-DNA position 552, one base duplicated (G; older notation c.552dupG).
Protein change: p.Ser185fs; shifts the reading frame from serine 185.
Molecular consequence: frameshift variant.
Genome position (GRCh38, 1-based): chr9:35,077,358, C duplicated on the plus strand (G on the coding strand, the reverse complement: FANCG is on the minus strand); the first of 2 consecutive C bases (chr9:35,077,358-35,077,359); duplicating either gives the same sequence. VCF-style (leftmost placement, unchanged base first): chr9-35077357-T-TC. GRCh37 (hg19) VCF-style: chr9-35077354-T-TC.
Other names: short protein forms S185fs.
Identifiers: ClinVar variation 1433629 (VCV001433629.9), dbSNP rs1412207017, ClinGen allele CA863525623.

ClinVar aggregate classification (germline): Pathogenic/Likely pathogenic. Review status: criteria provided, multiple submitters, no conflicts (2 of 4 stars). 3 submissions from 3 submitters: Pathogenic (2); Likely pathogenic (1). Last evaluated 2025-02-09.

Conditions:
Fanconi anemia (FA). Also called: Fanconi's anemia. Identifiers: Orphanet 84, MedGen C0015625, MeSH D005199, MONDO:0019391.
Fanconi anemia complementation group G. Also called: Fanconi anemia group G; FANCG-Related Fanconi Anemia. Identifiers: Orphanet 84, MedGen C3469527, MONDO:0013565, OMIM 614082.

Submissions (3):

Labcorp Genetics (formerly Invitae), Labcorp
Classification: Pathogenic for Fanconi anemia. Last evaluated: 2025-02-09. Review status: criteria provided, single submitter. Criteria: Invitae Variant Classification Sherloc (09022015). Collection method: clinical testing. Allele origin: germline.
Comment: This sequence change creates a premature translational stop signal (p.Ser185Glufs*5) in the FANCG gene. It is expected to result in an absent or disrupted protein product. Loss-of-function variants in FANCG are known to be pathogenic (PMID: 12552564). This variant is not present in population databases (gnomAD no frequency). This variant has not been reported in the literature in individuals affected with FANCG-related conditions. ClinVar contains an entry for this variant (Variation ID: 1433629). Algorithms developed to predict the effect of sequence changes on RNA splicing suggest that this variant may disrupt the consensus splice site. For these reasons, this variant has been classified as Pathogenic.

Baylor Genetics
Classification: Likely pathogenic for Fanconi anemia complementation group G. Last evaluated: 2024-03-26. Review status: criteria provided, single submitter. Criteria: ACMG Guidelines, 2015. Collection method: clinical testing. Allele origin: unknown.

3billion
Classification: Pathogenic for Fanconi anemia complementation group G. Last evaluated: 2022-05-22. Review status: criteria provided, single submitter. Criteria: ACMG Guidelines, 2015. Collection method: clinical testing. Allele origin: germline. Affected: yes. Observed: 1 homozygote.
Comment: The variant is not observed in the gnomAD v2.1.1 dataset. Frameshift: predicted to result in a loss or disruption of normal protein function through nonsense-mediated decay (NMD) or protein truncation. Multiple pathogenic variants are reported downstream of the variant. Therefore, this variant is classified as pathogenic according to the recommendation of ACMG/AMP guideline.

Literature cited by the submitters: PubMed 12552564 (cited by Labcorp Genetics (formerly Invitae), Labcorp).